The following is an entry in ClinVar:

NM_001261826.3(AP3D1):c.3404A>C (p.Lys1135Thr)

Gene: AP3D1 (adaptor related protein complex 3 subunit delta 1; minus strand). Cytogenetic location: 19p13.3.
Variant type: single nucleotide variant.
Coding change: c.3404A>C on transcript NM_001261826.3 (MANE Select); coding-DNA position 3404, A replaced by C.
Protein change: p.Lys1135Thr; replaces lysine 1135 with threonine.
Molecular consequence: missense variant.
Genome position (GRCh38, 1-based): chr19:2,109,154, T>G on the plus strand (A>C on the coding strand, the complement: AP3D1 is on the minus strand). VCF-style: chr19-2109154-T-G. GRCh37 (hg19) VCF-style: chr19-2109153-T-G.
Other names: p.Lys1135Thr; c.3218A>C (NM_003938.5); c.3368A>C, p.Lys1123Thr (NM_001374799.1); c.3218A>C, p.Lys1073Thr (NM_003938.8); short protein forms K1073T, K1123T, K1135T.
Identifiers: ClinVar variation 1379922 (VCV001379922.12), dbSNP rs535042101, ClinGen allele CA9058401.

ClinVar aggregate classification (germline): Uncertain significance. Review status: criteria provided, multiple submitters, no conflicts (2 of 4 stars). 3 submissions from 3 submitters: Uncertain significance (3). Last evaluated 2026-01-16.

Conditions:
Inborn genetic diseases. Identifiers: MedGen C0950123, MeSH D030342.

Allele frequency attached by ClinVar (database versions not stated): ExAC 0.00002; gnomAD exomes 0.00003 and 0.00014; TOPMed 0.00003; gnomAD 0.00005.
gnomAD v4.1: 209 of 1,609,990 alleles (0.013%); highest among the groups gnomAD compares: Non-Finnish European, 0.018%; no homozygotes.

Submissions (3):

Labcorp Genetics (formerly Invitae), Labcorp
Classification: Uncertain significance. Last evaluated: 2026-01-16. Review status: criteria provided, single submitter. Criteria: Invitae Variant Classification Sherloc (09022015). Collection method: clinical testing. Allele origin: germline.
Comment: This sequence change replaces lysine, which is basic and polar, with threonine, which is neutral and polar, at codon 1135 of the AP3D1 protein (p.Lys1135Thr). This variant is present in population databases (rs535042101, gnomAD 0.007%). This variant has not been reported in the literature in individuals affected with AP3D1-related conditions. ClinVar contains an entry for this variant (Variation ID: 1379922). An algorithm developed to predict the effect of missense changes on protein structure and function (PolyPhen-2) suggests that this variant is likely to be tolerated. In summary, the available evidence is currently insufficient to determine the role of this variant in disease. Therefore, it has been classified as a Variant of Uncertain Significance.

Mayo Clinic Laboratories, Mayo Clinic
Classification: Uncertain significance. Last evaluated: 2025-12-17. Review status: criteria provided, single submitter. Criteria: ACMG Guidelines, 2015. Collection method: clinical testing. Allele origin: germline. Observed: 1 variant allele.
Comment: BP4_moderate

Ambry Genetics
Classification: Uncertain significance for Inborn genetic diseases. Last evaluated: 2025-05-18. Review status: criteria provided, single submitter. Criteria: Ambry Variant Classification Scheme 2023. Collection method: clinical testing. Allele origin: germline.